The following is an entry in ClinVar:

ClinVar aggregate classification (germline): Uncertain significance. Review status: criteria provided, multiple submitters, no conflicts (2 of 4 stars). 2 submissions from 2 submitters: Uncertain significance (2). Last evaluated 2025-05-13.

Conditions:
Arrhythmogenic right ventricular dysplasia 13. Also called: ARRHYTHMOGENIC RIGHT VENTRICULAR CARDIOMYOPATHY 13; Arrhythmogenic right ventricular dysplasia, familial, 13. Identifiers: MedGen C3810138, MONDO:0000908, OMIM 615616.

Allele frequency attached by ClinVar (database versions not stated): gnomAD exomes below 0.00001; TOPMed 0.00002; gnomAD 0.00003; 1000 Genomes Project 0.00020; 1000 Genomes Project 30x 0.00016; ExAC 0.00002.
gnomAD v4.1: 9 of 1,614,000 alleles (0.00056%); highest among the groups gnomAD compares: African/African-American, 0.011%; no homozygotes.

Submissions (2):

Labcorp Genetics (formerly Invitae), Labcorp
Classification: Uncertain significance for Arrhythmogenic right ventricular dysplasia 13. Last evaluated: 2025-05-13. Review status: criteria provided, single submitter. Criteria: Invitae Variant Classification Sherloc (09022015). Collection method: clinical testing. Allele origin: germline.
Comment: This sequence change replaces proline, which is neutral and non-polar, with threonine, which is neutral and polar, at codon 853 of the CTNNA3 protein (p.Pro853Thr). This variant is present in population databases (rs557828885, gnomAD 0.01%). This variant has not been reported in the literature in individuals affected with CTNNA3-related conditions. ClinVar contains an entry for this variant (Variation ID: 1793025). Invitae Evidence Modeling of protein sequence and biophysical properties (such as structural, functional, and spatial information, amino acid conservation, physicochemical variation, residue mobility, and thermodynamic stability) indicates that this missense variant is expected to disrupt CTNNA3 protein function with a positive predictive value of 80%. In summary, the available evidence is currently insufficient to determine the role of this variant in disease. Therefore, it has been classified as a Variant of Uncertain Significance.

Ambry Genetics
Classification: Uncertain significance. Last evaluated: 2024-12-05. Review status: criteria provided, single submitter. Criteria: Ambry Variant Classification Scheme 2023. Collection method: clinical testing. Allele origin: germline.

NM_013266.4(CTNNA3):c.2557C>A (p.Pro853Thr)

Gene: CTNNA3 (catenin alpha 3; minus strand). Cytogenetic location: 10q21.3.
Variant type: single nucleotide variant.
Coding change: c.2557C>A on transcript NM_013266.4 (MANE Select); coding-DNA position 2557, C replaced by A.
Protein change: p.Pro853Thr; replaces proline 853 with threonine.
Molecular consequence: missense variant.
Genome position (GRCh38, 1-based): chr10:65,920,461, G>T on the plus strand (C>A on the coding strand, the complement: CTNNA3 is on the minus strand). VCF-style: chr10-65920461-G-T. GRCh37 (hg19) VCF-style: chr10-67680219-G-T.
Other names: c.2557C>A, p.Pro853Thr (NM_001127384.3); short protein forms P853T.
Identifiers: ClinVar variation 1793025 (VCV001793025.5), dbSNP rs557828885, ClinGen allele CA5519553.